The following is an entry in ClinVar:

NM_001080517.3(SETD5):c.3253G>T (p.Gly1085Trp)

Gene: SETD5 (SET domain containing 5; plus strand). Cytogenetic location: 3p25.3.
Variant type: single nucleotide variant.
Coding change: c.3253G>T on transcript NM_001080517.3 (MANE Select); coding-DNA position 3253, G replaced by T.
Protein change: p.Gly1085Trp; replaces glycine 1085 with tryptophan.
Molecular consequence: missense variant.
Genome position (GRCh38, 1-based): chr3:9,473,293, G>T. VCF-style: chr3-9473293-G-T. GRCh37 (hg19) VCF-style: chr3-9514977-G-T.
Other names: c.2959G>T, p.Gly987Trp (NM_001292043.2, NM_001349451.2); short protein forms G1085W, G987W.
Identifiers: ClinVar variation 1489491 (VCV001489491.5), dbSNP rs767095342, ClinGen allele CA2239645.
Genomic context (GRCh38, chr3:9,473,293, plus strand): 5'-TAGGTATCCCTGCTGGAGTACCGAAAACGGAAACAAGAAGCTAAGGAAAATTCTGCTGGT[G>T]GGGGAGGTGACTCTGCACAGAGCAAAAGCAAGTCTGCAGGAGCTGGGCAAGGCAGCAGTA-3'
Protein context (NP_001073986.1, residues 1075-1095): KQEAKENSAG[Gly1085Trp]GGDSAQSKSK

ClinVar aggregate classification (germline): Uncertain significance. Review status: criteria provided, multiple submitters, no conflicts (2 of 4 stars). 2 submissions from 2 submitters: Uncertain significance (2). Last evaluated 2024-12-02.

Conditions:
Intellectual disability-facial dysmorphism syndrome due to SETD5 haploinsufficiency (MRD23). Also called: Intellectual developmental disorder, autosomal dominant 23. Identifiers: Orphanet 404440, MedGen C3810406, MONDO:0014336, OMIM 615761.

gnomAD v4.1: 21 of 1,613,876 alleles (0.0013%); highest among the groups gnomAD compares: East Asian, 0.0045%; no homozygotes.

Submissions (2):

Labcorp Genetics (formerly Invitae), Labcorp
Classification: Uncertain significance. Last evaluated: 2024-12-02. Review status: criteria provided, single submitter. Criteria: Invitae Variant Classification Sherloc (09022015). Collection method: clinical testing. Allele origin: germline.
Comment: This sequence change replaces glycine, which is neutral and non-polar, with tryptophan, which is neutral and slightly polar, at codon 1085 of the SETD5 protein (p.Gly1085Trp). This variant is present in population databases (rs767095342, gnomAD 0.002%). This variant has not been reported in the literature in individuals affected with SETD5-related conditions. ClinVar contains an entry for this variant (Variation ID: 1489491). Invitae Evidence Modeling of protein sequence and biophysical properties (such as structural, functional, and spatial information, amino acid conservation, physicochemical variation, residue mobility, and thermodynamic stability) indicates that this missense variant is not expected to disrupt SETD5 protein function with a negative predictive value of 80%. In summary, the available evidence is currently insufficient to determine the role of this variant in disease. Therefore, it has been classified as a Variant of Uncertain Significance.

Neuberg Centre For Genomic Medicine, NCGM
Classification: Uncertain significance for Intellectual disability-facial dysmorphism syndrome due to SETD5 haploinsufficiency. Review status: criteria provided, single submitter. Criteria: ACMG Guidelines, 2015. Collection method: clinical testing. Allele origin: germline. Inheritance: Autosomal dominant inheritance. Affected: yes.
Comment: The c.3253G>T (p.Gly1085Trp) missense variant in SETD5 gene has been submitted to ClinVar as a Variant of Uncertain Significance. It has not been reported in affected individuals. This variant is reported with the allele frequency (0.0008%) in the gnomAD and novel in 1000 genome database. The amino acid Gly at position 1085 is changed to a Trp changing protein sequence and it might alter its composition and physico-chemical properties. The amino acid change p.Gly1085Trp in SETD5 is predicted as conserved by GERP++ and PhyloP across 100 vertebrates. For these reasons, this variant has been classified as Variant of Uncertain Significance.